The following is an entry in ClinVar:

NM_003793.4(CTSF):c.416C>A (p.Ser139Ter)

Gene: CTSF (cathepsin F; minus strand). Cytogenetic location: 11q13.2.
Variant type: single nucleotide variant.
Coding change: c.416C>A on transcript NM_003793.4 (MANE Select); coding-DNA position 416, C replaced by A.
Protein change: p.Ser139Ter; replaces serine 139 with a stop codon.
Molecular consequence: nonsense.
Genome position (GRCh38, 1-based): chr11:66,567,559, G>T on the plus strand (C>A on the coding strand, the complement: CTSF is on the minus strand). VCF-style: chr11-66567559-G-T. GRCh37 (hg19) VCF-style: chr11-66335030-G-T.
Other names: short protein forms S139*.
Identifiers: ClinVar variation 4293328 (VCV004293328.4).
Genomic context (GRCh38, chr11:66,567,559, plus strand): 5'-CTGTTGTCTGGATGGTTTTGGGACAGAGAAGAAATCATGGCTGAGCCCTGAGTGAAGGCT[G>T]ACTTGGGCTCCCCAGCACCTGGAACCTTGGTGTCCACTGGGCCACAGTCCTTCCGCAGCA-3'

ClinVar aggregate classification (germline): Pathogenic. Review status: criteria provided, multiple submitters, no conflicts (2 of 4 stars). 2 submissions from 2 submitters: Pathogenic (2). Last evaluated 2025-03-28.

Conditions:
Neuronal ceroid lipofuscinosis 13 (CLN13). Also called: CEROID LIPOFUSCINOSIS, NEURONAL, 13 (KUFS TYPE); CLN13 Disease. Identifiers: Orphanet 352709, Orphanet 79262, MedGen C3715049, MONDO:0014147, OMIM 615362.

gnomAD v4.1: 10 of 1,614,108 alleles (0.00062%); highest among the groups gnomAD compares: East Asian, 0.02%; no homozygotes.

Submissions (2):

3billion
Classification: Pathogenic for Neuronal ceroid lipofuscinosis 13. Last evaluated: 2025-03-28. Review status: criteria provided, single submitter. Criteria: ACMG Guidelines, 2015. Collection method: clinical testing. Allele origin: germline. Affected: yes.
Comment: The variant is observed at an extremely low frequency in the gnomAD v4.1.0 dataset (total allele frequency: <0.001%). Predicted Consequence/Location: Stop-gained (nonsense): predicted to result in a loss or disruption of normal protein function through nonsense-mediated decay (NMD) or protein truncation. Multiple pathogenic variants are reported downstream of the variant. The variant has been reported to be associated with CTSF-related disorder (PMID: 29120254). Therefore, this variant is classified as Pathogenic according to the recommendation of ACMG/AMP guideline.

Juno Genomics, Hangzhou Juno Genomics, Inc
Classification: Pathogenic for Neuronal ceroid lipofuscinosis 13. Review status: criteria provided, single submitter. Criteria: ACMG Guidelines, 2015. Collection method: clinical testing. Allele origin: germline.
Comment: Absent from controls (or at extremely low frequency if recessive) in Genome Aggregation Database.;Null variant in a gene where loss of function (LOF) is a known mechanism of disease.;Patient's phenotype or family history is highly specific for a disease with a single genetic etiology.

Literature cited by the submitters: PubMed 29120254 (cited by 3billion).